The following is an entry in ClinVar:

ClinVar aggregate classification (germline): Uncertain significance. Review status: criteria provided, multiple submitters, no conflicts (2 of 4 stars). 2 submissions from 2 submitters: Uncertain significance (2). Last evaluated 2024-07-11.

Submissions (2):

GeneDx
Classification: Uncertain significance. Last evaluated: 2024-07-11. Review status: criteria provided, single submitter. Criteria: GeneDx Variant Classification Process June 2021. Collection method: clinical testing. Allele origin: germline. Affected: yes.
Comment: Not observed at significant frequency in large population cohorts (gnomAD); In silico analysis indicates that this missense variant does not alter protein structure/function; Not located in the triple helical region, where the majority of pathogenic missense variants occur (HGMD); Has not been previously published as pathogenic or benign to our knowledge

Labcorp Genetics (formerly Invitae), Labcorp
Classification: Uncertain significance. Last evaluated: 2023-01-05. Review status: criteria provided, single submitter. Criteria: Invitae Variant Classification Sherloc (09022015). Collection method: clinical testing. Allele origin: germline.
Comment: This sequence change replaces threonine, which is neutral and polar, with alanine, which is neutral and non-polar, at codon 1307 of the COL2A1 protein (p.Thr1307Ala). This variant is not present in population databases (gnomAD no frequency). In summary, the available evidence is currently insufficient to determine the role of this variant in disease. Therefore, it has been classified as a Variant of Uncertain Significance. Advanced modeling of protein sequence and biophysical properties (such as structural, functional, and spatial information, amino acid conservation, physicochemical variation, residue mobility, and thermodynamic stability) performed at Invitae indicates that this missense variant is not expected to disrupt COL2A1 protein function. This variant has not been reported in the literature in individuals affected with COL2A1-related conditions.

NM_001844.5(COL2A1):c.3919A>G (p.Thr1307Ala)

Gene: COL2A1 (collagen type II alpha 1 chain; minus strand). Cytogenetic location: 12q13.11.
Variant type: single nucleotide variant.
Coding change: c.3919A>G on transcript NM_001844.5 (MANE Select); coding-DNA position 3919, A replaced by G.
Protein change: p.Thr1307Ala; replaces threonine 1307 with alanine.
Molecular consequence: missense variant.
Genome position (GRCh38, 1-based): chr12:47,974,830, T>C on the plus strand (A>G on the coding strand, the complement: COL2A1 is on the minus strand). VCF-style: chr12-47974830-T-C. GRCh37 (hg19) VCF-style: chr12-48368613-T-C.
Other names: c.3919A>G (NM_001844.4); c.3712A>G, p.Thr1238Ala (NM_033150.3); short protein forms T1307A, T1238A.
Identifiers: ClinVar variation 2826327 (VCV002826327.4), dbSNP rs2540097745, ClinGen allele CA384536077.
Genomic context (GRCh38, chr12:47,974,830, plus strand): 5'-TGGGGTAGACGCAAGTCTCGCCAGTCTCCATGTTGCAGAAAACCTTCATGGCGTCCAAGG[T>C]GCAGCCTTGGTTGGGGTCAATCCAGTAGTCTCCTGCAGGGGGAAGAGGCAGCACCCATGG-3'
Protein context (NP_001835.3, residues 1297-1317): DYWIDPNQGC[Thr1307Ala]LDAMKVFCNM